The following is an entry in ClinVar:

ClinVar aggregate classification (germline): Benign. Review status: criteria provided, single submitter (1 of 4 stars). 2 submissions from 2 submitters: Benign (1). 1 of the submissions does not count toward it. Last evaluated 2021-07-03.

Conditions:
ASXL3-related disorder. Also called: ASXL3-related condition. Identifiers: MedGen CN381524.

Allele frequency attached by ClinVar (database versions not stated): gnomAD exomes 0.00003 and 0.00009; ExAC 0.00011; 1000 Genomes Project 30x 0.00031; gnomAD 0.00033 and 0.00034; 1000 Genomes Project 0.00040; ESP Exome Variant Server 0.00043; TOPMed 0.00043.
gnomAD v4.1: 90 of 1,602,606 alleles (0.0056%); highest among the groups gnomAD compares: African/African-American, 0.12%; no homozygotes.

Submissions (2):

GeneDx
Classification: Benign. Last evaluated: 2021-07-03. Review status: criteria provided, single submitter. Criteria: GeneDx Variant Classification Process June 2021. Collection method: clinical testing. Allele origin: germline. Affected: yes.

PreventionGenetics, part of Exact Sciences
Classification: Likely benign for ASXL3-related condition. Last evaluated: 2023-02-20. Review status: no assertion criteria provided. Collection method: clinical testing. Allele origin: germline. Not counted in ClinVar's aggregate classification.
Comment: This variant is classified as likely benign based on ACMG/AMP sequence variant interpretation guidelines (Richards et al. 2015 PMID: 25741868, with internal and published modifications).

NM_030632.3(ASXL3):c.990A>G (p.Pro330=)

Gene: ASXL3 (ASXL transcriptional regulator 3; plus strand). Cytogenetic location: 18q12.1.
Variant type: single nucleotide variant.
Coding change: c.990A>G on transcript NM_030632.3 (MANE Select); coding-DNA position 990, A replaced by G.
Protein change: p.Pro330=; no amino-acid change (proline 330 retained).
Molecular consequence: synonymous variant.
Genome position (GRCh38, 1-based): chr18:33,734,323, A>G. VCF-style: chr18-33734323-A-G. GRCh37 (hg19) VCF-style: chr18-31314287-A-G.
Other names: c.990A>G (NM_030632.2).
Identifiers: ClinVar variation 1302815 (VCV001302815.4), dbSNP rs375974767, ClinGen allele CA8933684.